The following is an entry in ClinVar:

NM_004544.4(NDUFA10):c.738C>T (p.Leu246=)

Gene: NDUFA10 (NADH:ubiquinone oxidoreductase subunit A10; minus strand). Cytogenetic location: 2q37.3.
Variant type: single nucleotide variant.
Coding change: c.738C>T on transcript NM_004544.4 (MANE Select); coding-DNA position 738, C replaced by T.
Protein change: p.Leu246=; no amino-acid change (leucine 246 retained).
Molecular consequence: synonymous variant. On other transcripts: non-coding transcript variant (4).
Genome position (GRCh38, 1-based): chr2:240,011,628, G>A on the plus strand (C>T on the coding strand, the complement: NDUFA10 is on the minus strand). VCF-style: chr2-240011628-G-A. GRCh37 (hg19) VCF-style: chr2-240951045-G-A.
Other names: c.738C>T, p.Leu246= (NM_001322019.2, NM_001322020.2); c.738C>T (NM_004544.3).
Identifiers: ClinVar variation 1605553 (VCV001605553.10), dbSNP rs760219925, ClinGen allele CA2200887.

ClinVar aggregate classification (germline): Likely benign. Review status: criteria provided, single submitter (1 of 4 stars). 2 submissions from 2 submitters: Likely benign (1). 1 of the submissions does not count toward it. Last evaluated 2025-01-07.

Conditions:
NDUFA10-related disorder. Also called: NDUFA10-related condition.

Allele frequency attached by ClinVar (database versions not stated): gnomAD 0.00001 and 0.00002; gnomAD exomes 0.00001 and 0.00002; TOPMed 0.00002; ExAC 0.00005.
gnomAD v4.1: 17 of 1,611,970 alleles (0.0011%); highest among the groups gnomAD compares: Non-Finnish European, 0.0011%; no homozygotes.

Submissions (2):

Labcorp Genetics (formerly Invitae), Labcorp
Classification: Likely benign. Last evaluated: 2025-01-07. Review status: criteria provided, single submitter. Criteria: Invitae Variant Classification Sherloc (09022015). Collection method: clinical testing. Allele origin: germline.

PreventionGenetics, part of Exact Sciences
Classification: Likely benign for NDUFA10-related condition. Last evaluated: 2019-09-26. Review status: no assertion criteria provided. Collection method: clinical testing. Allele origin: germline. Not counted in ClinVar's aggregate classification.
Comment: This variant is classified as likely benign based on ACMG/AMP sequence variant interpretation guidelines (Richards et al. 2015 PMID: 25741868, with internal and published modifications).